The following is an entry in ClinVar:

ClinVar aggregate classification (germline): Uncertain significance. Review status: criteria provided, multiple submitters, no conflicts (2 of 4 stars). 2 submissions from 2 submitters: Uncertain significance (2). Last evaluated 2026-09-13.

Conditions:
TNXB-related disorder. Also called: TNXB-related condition.
Cardiovascular phenotype. Identifiers: MedGen CN230736.

gnomAD v4.1: 6 of 1,612,766 alleles (0.00037%); highest among the groups gnomAD compares: East Asian, 0.0045%; no homozygotes.

Submissions (2):

PreventionGenetics, part of Exact Sciences
Classification: Uncertain significance for TNXB-related condition. Last evaluated: 2026-09-13. Review status: criteria provided, single submitter. Criteria: ACMG Guidelines, 2015. Collection method: clinical testing. Allele origin: germline.
Comment: The TNXB c.5810C>T variant is predicted to result in the amino acid substitution p.Ser1937Phe. To our knowledge, this variant has not been reported in the literature. This variant is reported in 0.011% of alleles in individuals of East Asian descent in gnomAD. At this time, the clinical significance of this variant is uncertain due to the absence of conclusive functional and genetic evidence.

Ambry Genetics
Classification: Uncertain significance for Cardiovascular phenotype. Last evaluated: 2024-04-09. Review status: criteria provided, single submitter. Criteria: Ambry Variant Classification Scheme 2023. Collection method: clinical testing. Allele origin: germline.
Comment: The p.S1937F variant (also known as c.5810C>T), located in coding exon 15 of the TNXB gene, results from a C to T substitution at nucleotide position 5810. The serine at codon 1937 is replaced by phenylalanine, an amino acid with highly dissimilar properties. This amino acid position is conserved. In addition, this alteration is predicted to be tolerated by in silico analysis. Based on the available evidence, the clinical significance of this variant remains unclear.

NM_001365276.2(TNXB):c.5810C>T (p.Ser1937Phe)

Gene: TNXB (tenascin XB; minus strand). Cytogenetic location: 6p21.33.
Variant type: single nucleotide variant.
Coding change: c.5810C>T on transcript NM_001365276.2 (MANE Select); coding-DNA position 5810, C replaced by T.
Protein change: p.Ser1937Phe; replaces serine 1937 with phenylalanine.
Molecular consequence: missense variant.
Genome position (GRCh38, 1-based): chr6:32,068,914, G>A on the plus strand (C>T on the coding strand, the complement: TNXB is on the minus strand). VCF-style: chr6-32068914-G-A. GRCh37 (hg19) VCF-style: chr6-32036691-G-A.
Other names: c.5810C>T, p.Ser1937Phe (NM_019105.8); short protein forms S1937F.
Identifiers: ClinVar variation 3327884 (VCV003327884.2).